The following is an entry in ClinVar:

ClinVar aggregate classification (germline): Benign/Likely benign. Review status: criteria provided, multiple submitters, no conflicts (2 of 4 stars). 5 submissions from 5 submitters: Benign (1); Likely benign (3). 1 of the submissions does not count toward it. Last evaluated 2026-01-10.

Conditions:
CPA1-related disorder. Also called: CPA1-related condition.
Hereditary pancreatitis (PCTT). Also called: Hereditary chronic pancreatitis; PRSS1-Related Hereditary Pancreatitis. Identifiers: Orphanet 676, MedGen C0238339, MONDO:0008185, OMIM 167800.

Allele frequency attached by ClinVar (database versions not stated): gnomAD exomes 0.00026 and 0.00067; ExAC 0.00083; gnomAD 0.00209 and 0.00217; 1000 Genomes Project 30x 0.00219; 1000 Genomes Project 0.00220; ESP Exome Variant Server 0.00223; TOPMed 0.00240.
gnomAD v4.1: 715 of 1,614,178 alleles (0.044%); highest among the groups gnomAD compares: African/African-American, 0.77%; 4 homozygotes.

Submissions (5):

Labcorp Genetics (formerly Invitae), Labcorp
Classification: Benign. Last evaluated: 2026-01-10. Review status: criteria provided, single submitter. Criteria: Invitae Variant Classification Sherloc (09022015). Collection method: clinical testing. Allele origin: germline.

Blueprint Genetics
Classification: Likely benign. Last evaluated: 2024-10-09. Review status: criteria provided, single submitter. Criteria: ACMG Guidelines, 2015. Collection method: clinical testing. Allele origin: germline.

Sema4
Classification: Likely benign for Hereditary pancreatitis. Last evaluated: 2021-03-28. Review status: criteria provided, single submitter. Criteria: Sema4 Curation Guidelines. Collection method: curation. Allele origin: germline.

Ambry Genetics
Classification: Likely benign for Hereditary pancreatitis. Last evaluated: 2018-11-02. Review status: criteria provided, single submitter. Criteria: Ambry Variant Classification Scheme 2023. Collection method: clinical testing. Allele origin: germline.

PreventionGenetics, part of Exact Sciences
Classification: Likely benign for CPA1-related condition. Last evaluated: 2019-02-26. Review status: no assertion criteria provided. Collection method: clinical testing. Allele origin: germline. Not counted in ClinVar's aggregate classification.
Comment: This variant is classified as likely benign based on ACMG/AMP sequence variant interpretation guidelines (Richards et al. 2015 PMID: 25741868, with internal and published modifications).

NM_001868.4(CPA1):c.816G>A (p.Ser272=)

Gene: CPA1 (carboxypeptidase A1; plus strand). Cytogenetic location: 7q32.2.
Variant type: single nucleotide variant.
Coding change: c.816G>A on transcript NM_001868.4 (MANE Select); coding-DNA position 816, G replaced by A.
Protein change: p.Ser272=; no amino-acid change (serine 272 retained).
Molecular consequence: synonymous variant.
Genome position (GRCh38, 1-based): chr7:130,385,174, G>A. VCF-style: chr7-130385174-G-A. GRCh37 (hg19) VCF-style: chr7-130025015-G-A.
Identifiers: ClinVar variation 746419 (VCV000746419.19), dbSNP rs34843162, ClinGen allele CA4484966.